The following is an entry in ClinVar:

NM_138967.4(SCAMP5):c.389G>T (p.Gly130Val)

Gene: SCAMP5 (secretory carrier membrane protein 5; plus strand). Cytogenetic location: 15q24.2.
Variant type: single nucleotide variant.
Coding change: c.389G>T on transcript NM_138967.4 (MANE Select); coding-DNA position 389, G replaced by T.
Protein change: p.Gly130Val; replaces glycine 130 with valine.
Molecular consequence: missense variant. On other transcripts: non-coding transcript variant (1).
Genome position (GRCh38, 1-based): chr15:75,017,965, G>T. VCF-style: chr15-75017965-G-T. GRCh37 (hg19) VCF-style: chr15-75310306-G-T.
Other names: c.389G>T, p.Gly130Val (NM_001178111.2, NM_001178112.2); short protein forms G130V.
Identifiers: ClinVar variation 3901619 (VCV003901619.1).

ClinVar aggregate classification (germline): Uncertain significance (1 of 4 stars; one submission).

Submission:

GeneDx
Classification: Uncertain significance. Last evaluated: 2024-12-03. Review status: criteria provided, single submitter. Criteria: GeneDx Variant Classification Process June 2021. Collection method: clinical testing. Allele origin: germline. Affected: yes.
Comment: Not observed at significant frequency in large population cohorts (gnomAD); In silico analysis supports that this missense variant has a deleterious effect on protein structure/function; Has not been previously published as pathogenic or benign to our knowledge